The following is an entry in ClinVar:

NM_001127222.2(CACNA1A):c.4867-71A>C

Gene: CACNA1A (calcium voltage-gated channel subunit alpha1 A; minus strand). Cytogenetic location: 19p13.13.
Variant type: single nucleotide variant.
Coding change: c.4867-71A>C on transcript NM_001127222.2 (MANE Select); 71 bases into the intron before coding-DNA position 4867, A replaced by C.
Molecular consequence: intron variant.
Genome position (GRCh38, 1-based): chr19:13,245,336, T>G on the plus strand (A>C on the coding strand, the complement: CACNA1A is on the minus strand). VCF-style: chr19-13245336-T-G. GRCh37 (hg19) VCF-style: chr19-13356150-T-G.
Other names: c.4870-71A>C (NM_001127221.2, NM_001174080.2); c.4879-71A>C (NM_000068.4, NM_023035.3).
Identifiers: ClinVar variation 678179 (VCV000678179.6), dbSNP rs16035, ClinGen allele CA14670626.
Genomic context (GRCh38, chr19:13,245,336, plus strand): 5'-GACCCACAAGACAGAGATGCCAACAGAGGGCTTGGTTCCCGGCCCCCTAGGCTGGCCGGG[T>G]GCATGTTAGAGGCACAGTTGCCCATCAGCGGAGTGCCCGGGACAGTTATGGTTGTTCGAA-3'

ClinVar aggregate classification (germline): Benign. Review status: criteria provided, multiple submitters, no conflicts (2 of 4 stars). 7 submissions from 4 submitters: Benign (7). Last evaluated 2024-07-15.

Conditions:
Developmental and epileptic encephalopathy, 42 (DEE42A). Also called: Epileptic encephalopathy, early infantile, 42; DEVELOPMENTAL AND EPILEPTIC ENCEPHALOPATHY 42A; EPILEPTIC ENCEPHALOPATHY, EARLY INFANTILE, 42A. Identifiers: MedGen C4310716, MONDO:0014917, OMIM 617106.
Episodic ataxia type 2 (EA2). Also called: ACETAZOLAMIDE-RESPONSIVE HEREDITARY PAROXYSMAL CEREBELLAR ATAXIA; ATAXIA, FAMILIAL PAROXYSMAL; CEREBELLAR ATAXIA, PAROXYSMAL, ACETAZOLAMIDE-RESPONSIVE; CEREBELLOPATHY, HEREDITARY PAROXYSMAL; EPISODIC ATAXIA, NYSTAGMUS-ASSOCIATED; ATAXIA, EPISODIC, WITH NYSTAGMUS. Identifiers: Orphanet 97, MedGen C1720416, MONDO:0007163, OMIM 108500.
Migraine, familial hemiplegic, 1. Also called: MIGRAINE, FAMILIAL HEMIPLEGIC 1, WITH PROGRESSIVE CEREBELLAR ATAXIA. Identifiers: Orphanet 569, MedGen C1832884, MONDO:0020756, OMIM 141500, MONDO:0007714.
Spinocerebellar ataxia type 6 (SCA6). Identifiers: Orphanet 98758, MedGen C0752124, MONDO:0008457, OMIM 183086.

Allele frequency attached by ClinVar (database versions not stated): gnomAD 0.59301 and 0.59750; TOPMed 0.61286; gnomAD exomes 0.62086; 1000 Genomes Project 30x 0.63898; 1000 Genomes Project 0.64317.
gnomAD v4.1: 770,381 of 1,245,900 alleles (62%); highest among the groups gnomAD compares: East Asian, 80%; 240,846 homozygotes.

Submissions (7):

Unidad de Genómica Garrahan, Hospital de Pediatría Garrahan
Classification: Benign. Last evaluated: 2024-07-15. Review status: criteria provided, single submitter. Criteria: ACMG Guidelines, 2015. Collection method: clinical testing. Allele origin: germline. Affected: no. Observed: 20 variant alleles.
Comment: This variant is classified as Benign based on local population frequency. This variant was detected in 22% of patients studied in a panel designed for Epileptic and Developmental Encephalopathy and Progressive Myoclonus Epilepsy. Number of patients: 20. Only high quality variants are reported.

Genome-Nilou Lab
Classification: Benign for Developmental and epileptic encephalopathy, 42. Last evaluated: 2021-07-14. Review status: criteria provided, single submitter. Criteria: ACMG Guidelines, 2015. Collection method: clinical testing. Allele origin: germline. Affected: no.

Genome-Nilou Lab
Classification: Benign for Episodic ataxia type 2. Last evaluated: 2021-07-14. Review status: criteria provided, single submitter. Criteria: ACMG Guidelines, 2015. Collection method: clinical testing. Allele origin: germline. Affected: no.

Genome-Nilou Lab
Classification: Benign for Migraine, familial hemiplegic, 1. Last evaluated: 2021-07-14. Review status: criteria provided, single submitter. Criteria: ACMG Guidelines, 2015. Collection method: clinical testing. Allele origin: germline. Affected: no.

Genome-Nilou Lab
Classification: Benign for Spinocerebellar ataxia type 6. Last evaluated: 2021-07-14. Review status: criteria provided, single submitter. Criteria: ACMG Guidelines, 2015. Collection method: clinical testing. Allele origin: germline. Affected: no.

GeneDx
Classification: Benign. Last evaluated: 2018-06-14. Review status: criteria provided, single submitter. Criteria: GeneDx Variant Classification (06012015). Collection method: clinical testing. Allele origin: germline. Affected: yes.
Comment: This variant is considered likely benign or benign based on one or more of the following criteria: it is a conservative change, it occurs at a poorly conserved position in the protein, it is predicted to be benign by multiple in silico algorithms, and/or has population frequency not consistent with disease.

Breakthrough Genomics
Classification: Benign. Review status: criteria provided, single submitter. Criteria: ACMG Guidelines, 2015. Collection method: not provided. Allele origin: germline. Inheritance: Autosomal dominant inheritance. Affected: yes.